The following is an entry in ClinVar:

NM_133496.5(SLC30A7):c.923G>A (p.Cys308Tyr)

Gene: SLC30A7 (solute carrier family 30 member 7; plus strand). Cytogenetic location: 1p21.2.
Variant type: single nucleotide variant.
Coding change: c.923G>A on transcript NM_133496.5 (MANE Select); coding-DNA position 923, G replaced by A.
Protein change: p.Cys308Tyr; replaces cysteine 308 with tyrosine.
Molecular consequence: missense variant.
Genome position (GRCh38, 1-based): chr1:100,961,908, G>A. VCF-style: chr1-100961908-G-A. GRCh37 (hg19) VCF-style: chr1-101427464-G-A.
Other names: c.923G>A, p.Cys308Tyr (NM_001144884.2); short protein forms C308Y.
Identifiers: ClinVar variation 3164263 (VCV003164263.2), dbSNP rs142163084, ClinGen allele CA972245.
Genomic context (GRCh38, chr1:100,961,908, plus strand): 5'-AATCTGTTGGAATATTAATGCAGAGAACTCCTCCCCTATTAGAAAATAGTCTGCCTCAGT[G>A]CTATCAGAGGGTGAGTTTCAAATACTCCAAACCATTGGATTTTATGCTGTTTTCAATCTC-3'
Protein context (NP_598003.2, residues 298-318): PPLLENSLPQ[Cys308Tyr]YQRVQQLQGV

ClinVar aggregate classification (germline): Uncertain significance. Review status: criteria provided, multiple submitters, no conflicts (2 of 4 stars). 2 submissions from 2 submitters: Uncertain significance (2). Last evaluated 2025-08-04.

Allele frequency attached by ClinVar (database versions not stated): 1000 Genomes Project 30x 0.00016; 1000 Genomes Project 0.00020; gnomAD exomes 0.00001; ExAC 0.00002; gnomAD 0.00003; TOPMed 0.00005; ESP Exome Variant Server 0.00008.
gnomAD v4.1: 21 of 1,594,836 alleles (0.0013%); highest among the groups gnomAD compares: African/African-American, 0.011%; no homozygotes.

Submissions (2):

Labcorp Genetics (formerly Invitae), Labcorp
Classification: Uncertain significance. Last evaluated: 2025-08-04. Review status: criteria provided, single submitter. Criteria: Invitae Variant Classification Sherloc (09022015). Collection method: clinical testing. Allele origin: germline.
Comment: This sequence change replaces cysteine, which is neutral and slightly polar, with tyrosine, which is neutral and polar, at codon 308 of the SLC30A7 protein (p.Cys308Tyr). This variant is present in population databases (rs142163084, gnomAD 0.006%). This variant has not been reported in the literature in individuals affected with SLC30A7-related conditions. ClinVar contains an entry for this variant (Variation ID: 3164263). An algorithm developed to predict the effect of missense changes on protein structure and function (PolyPhen-2) suggests that this variant is likely to be disruptive. In summary, the available evidence is currently insufficient to determine the role of this variant in disease. Therefore, it has been classified as a Variant of Uncertain Significance.

Ambry Genetics
Classification: Uncertain significance. Last evaluated: 2024-03-07. Review status: criteria provided, single submitter. Criteria: Ambry Variant Classification Scheme 2023. Collection method: clinical testing. Allele origin: germline.